The following is an entry in ClinVar:

NM_000642.3(AGL):c.3084-1G>A

Gene: AGL (amylo-alpha-1,6-glucosidase and 4-alpha-glucanotransferase; plus strand). Cytogenetic location: 1p21.2.
Variant type: single nucleotide variant.
Coding change: c.3084-1G>A on transcript NM_000642.3 (MANE Select); the canonical splice acceptor site of the intron before coding-DNA position 3084, G replaced by A.
Molecular consequence: splice acceptor variant.
Genome position (GRCh38, 1-based): chr1:99,892,431, G>A. VCF-style: chr1-99892431-G-A. GRCh37 (hg19) VCF-style: chr1-100357987-G-A.
Other names: c.3084-1G>A (NM_000643.3, NM_000644.3, NM_001425325.1 and 1 more transcripts); c.3036-1G>A (NM_000646.3); c.3063-1G>A (NM_001425326.1); c.2883-1G>A (NM_001425327.1); c.2880-1G>A (NM_001425328.1); c.2745-1G>A (NM_001425329.1); c.2706-1G>A (NM_001425332.1).
Identifiers: ClinVar variation 2023967 (VCV002023967.5), dbSNP rs1440105689, ClinGen allele CA341326457.

ClinVar aggregate classification (germline): Likely pathogenic. Review status: criteria provided, multiple submitters, no conflicts (2 of 4 stars). 2 submissions from 2 submitters: Likely pathogenic (2). Last evaluated 2023-07-03.

Conditions:
Glycogen storage disease type III (GSD3). Also called: FORBES DISEASE; Cori disease. Identifiers: Orphanet 366, MedGen C0017922, MONDO:0009291, OMIM 232400.

Allele frequency attached by ClinVar (database versions not stated): gnomAD exomes below 0.00001.
gnomAD v4.1: 1 of 1,613,234 alleles (0.000062%); highest among the groups gnomAD compares: Admixed American, 0.0017%; no homozygotes.

Submissions (2):

Baylor Genetics
Classification: Likely pathogenic for Glycogen storage disease type III. Last evaluated: 2023-07-03. Review status: criteria provided, single submitter. Criteria: ACMG Guidelines, 2015. Collection method: clinical testing. Allele origin: unknown.

Labcorp Genetics (formerly Invitae), Labcorp
Classification: Likely pathogenic for Glycogen storage disease type III. Last evaluated: 2022-08-13. Review status: criteria provided, single submitter. Criteria: Invitae Variant Classification Sherloc (09022015). Collection method: clinical testing. Allele origin: germline.
Comment: This variant is present in population databases (no rsID available, gnomAD 0.003%). This sequence change affects an acceptor splice site in intron 23 of the AGL gene. It is expected to disrupt RNA splicing. Variants that disrupt the donor or acceptor splice site typically lead to a loss of protein function (PMID: 16199547), and loss-of-function variants in AGL are known to be pathogenic (PMID: 19299494). In summary, the currently available evidence indicates that the variant is pathogenic, but additional data are needed to prove that conclusively. Therefore, this variant has been classified as Likely Pathogenic. Algorithms developed to predict the effect of sequence changes on RNA splicing suggest that this variant may disrupt the consensus splice site. This variant has not been reported in the literature in individuals affected with AGL-related conditions.

Literature cited by the submitters: PubMed 16199547 (cited by Labcorp Genetics (formerly Invitae), Labcorp); PubMed 19299494 (cited by Labcorp Genetics (formerly Invitae), Labcorp).